The following is an entry in ClinVar:

NM_000051.4(ATM):c.1100C>A (p.Ser367Tyr)

Gene: ATM (ATM serine/threonine kinase; plus strand). Cytogenetic location: 11q22.3.
Variant type: single nucleotide variant.
Coding change: c.1100C>A on transcript NM_000051.4 (MANE Select); coding-DNA position 1100, C replaced by A.
Protein change: p.Ser367Tyr; replaces serine 367 with tyrosine.
Molecular consequence: missense variant.
Genome position (GRCh38, 1-based): chr11:108,248,967, C>A. VCF-style: chr11-108248967-C-A. GRCh37 (hg19) VCF-style: chr11-108119694-C-A.
Other names: c.1100C>A, p.Ser367Tyr (NM_001351834.2); short protein forms S367Y.
Identifiers: ClinVar variation 926749 (VCV000926749.10), dbSNP rs2079990831, ClinGen allele CA382532383.

ClinVar aggregate classification (germline): Uncertain significance. Review status: criteria provided, multiple submitters, no conflicts (2 of 4 stars). 2 submissions from 2 submitters: Uncertain significance (2). Last evaluated 2023-12-05.

Conditions:
Ataxia-telangiectasia syndrome (AT). Also called: Ataxia-telangiectasia, complementation group D; Cerebello-oculocutaneous telangiectasia; Immunodeficiency with ataxia telangiectasia; LOUIS-BAR SYNDROME; Ataxia-telangiectasia; AT, COMPLEMENTATION GROUP C. Identifiers: Orphanet 100, MedGen C0004135, MONDO:0008840, OMIM 208900.
Hereditary cancer-predisposing syndrome. Also called: Tumor predisposition; Hereditary neoplastic syndrome; Neoplastic Syndromes, Hereditary; Hereditary Cancer Syndrome. Identifiers: Orphanet 140162, MedGen C0027672, MeSH D009386, MONDO:0015356.

Submissions (2):

Color Diagnostics, LLC DBA Color Health
Classification: Uncertain significance for Hereditary cancer-predisposing syndrome. Last evaluated: 2023-12-05. Review status: criteria provided, single submitter. Criteria: ACMG Guidelines, 2015. Collection method: clinical testing. Allele origin: germline.
Comment: This missense variant replaces serine with tyrosine at codon 367 of the ATM protein. Computational prediction suggests that this variant may not impact protein structure and function (internally defined REVEL score threshold <= 0.5, PMID: 27666373). To our knowledge, functional studies have not been reported for this variant. This variant has not been reported in individuals affected with ATM-related disorders in the literature. This variant has not been identified in the general population by the Genome Aggregation Database (gnomAD). The available evidence is insufficient to determine the role of this variant in disease conclusively. Therefore, this variant is classified as a Variant of Uncertain Significance.

Labcorp Genetics (formerly Invitae), Labcorp
Classification: Uncertain significance for Ataxia-telangiectasia syndrome. Last evaluated: 2022-09-19. Review status: criteria provided, single submitter. Criteria: Invitae Variant Classification Sherloc (09022015). Collection method: clinical testing. Allele origin: germline.
Comment: In summary, the available evidence is currently insufficient to determine the role of this variant in disease. Therefore, it has been classified as a Variant of Uncertain Significance. Algorithms developed to predict the effect of missense changes on protein structure and function are either unavailable or do not agree on the potential impact of this missense change (SIFT: "Deleterious"; PolyPhen-2: "Benign"; Align-GVGD: "Class C15"). ClinVar contains an entry for this variant (Variation ID: 926749). This variant has not been reported in the literature in individuals affected with ATM-related conditions. This variant is not present in population databases (gnomAD no frequency). This sequence change replaces serine, which is neutral and polar, with tyrosine, which is neutral and polar, at codon 367 of the ATM protein (p.Ser367Tyr).